The following is an entry in ClinVar:

NM_001035.3(RYR2):c.11963-11T>C

Gene: RYR2 (ryanodine receptor 2; plus strand). Cytogenetic location: 1q43.
Variant type: single nucleotide variant.
Coding change: c.11963-11T>C on transcript NM_001035.3 (MANE Select); 11 bases into the intron before coding-DNA position 11963, T replaced by C.
Molecular consequence: intron variant.
Genome position (GRCh38, 1-based): chr1:237,783,664, T>C. VCF-style: chr1-237783664-T-C. GRCh37 (hg19) VCF-style: chr1-237946964-T-C.
Identifiers: ClinVar variation 43716 (VCV000043716.36), dbSNP rs790889, ClinGen allele CA007261.
Genomic context (GRCh38, chr1:237,783,664, plus strand): 5'-CATTGTTATCTTCTGTATGATCACTGATTTTGTTAGTTTATTTTAAACAAATGCAACTGC[T>C]TTACCACCAGGTAATGTTGTTAATGGAACGATTGGCAAACAGATGGTGGATATGCTTGTG-3'

ClinVar aggregate classification (germline): Benign. Review status: criteria provided, multiple submitters, no conflicts (2 of 4 stars). 16 submissions from 13 submitters: Benign (14). 2 of the submissions do not count toward it. Last evaluated 2026-02-04.

Conditions:
Cardiac arrhythmia. Also called: Arrhythmia; Cardiac rhythm disease. Identifiers: MedGen C0003811, MONDO:0007263, HP:0011675.
Cardiomyopathy (CMYO). Also called: Cardiomyopathies. Identifiers: Orphanet 167848, MedGen C0878544, MONDO:0004994, HP:0001638. Inheritance: Various modes of inheritance.
Catecholaminergic polymorphic ventricular tachycardia 1. Also called: VENTRICULAR TACHYCARDIA, CATECHOLAMINERGIC POLYMORPHIC, 1, WITH OR WITHOUT ATRIAL DYSFUNCTION AND/OR DILATED CARDIOMYOPATHY; VENTRICULAR TACHYCARDIA, STRESS-INDUCED POLYMORPHIC 1; RYR2-Related Catecholaminergic Polymorphic Ventricular Tachycardia. Identifiers: Orphanet 3286, MedGen C1631597, MONDO:0011484, OMIM 604772.
Arrhythmogenic right ventricular dysplasia 2. Identifiers: MedGen C1832931.

Allele frequency attached by ClinVar (database versions not stated): ESP Exome Variant Server 0.32671; TOPMed 0.35267; gnomAD 0.35417; 1000 Genomes Project 30x 0.41021; 1000 Genomes Project 0.41474.
gnomAD v4.1: 546,397 of 1,562,038 alleles (35%); highest among the groups gnomAD compares: East Asian, 69%; 99,729 homozygotes.

Submissions (17):

Labcorp Genetics (formerly Invitae), Labcorp
Classification: Benign for Catecholaminergic polymorphic ventricular tachycardia 1. Last evaluated: 2026-02-04. Review status: criteria provided, single submitter. Criteria: Invitae Variant Classification Sherloc (09022015). Collection method: clinical testing. Allele origin: germline.

Molecular Diagnostic Laboratory for Inherited Cardiovascular Disease, Montreal Heart Institute
Classification: Benign. Last evaluated: 2025-04-09. Review status: criteria provided, single submitter. Criteria: ACMG Guidelines, 2015. Collection method: clinical testing. Allele origin: germline. Affected: no.

Blueprint Genetics
Classification: Benign. Last evaluated: 2024-11-26. Review status: criteria provided, single submitter. Criteria: ACMG Guidelines, 2015. Collection method: clinical testing. Allele origin: germline.

Genome-Nilou Lab
Classification: Benign for Catecholaminergic polymorphic ventricular tachycardia 1. Last evaluated: 2021-11-07. Review status: criteria provided, single submitter. Criteria: ACMG Guidelines, 2015. Collection method: clinical testing. Allele origin: germline. Affected: no.

Genome-Nilou Lab
Classification: Benign for Ventricular arrhythmias due to cardiac ryanodine receptor calcium release deficiency syndrome. Last evaluated: 2021-11-07. Review status: criteria provided, single submitter. Criteria: ACMG Guidelines, 2015. Collection method: clinical testing. Allele origin: germline. Affected: no.

Genome-Nilou Lab
Classification: Benign for Catecholaminergic polymorphic ventricular tachycardia 1. Last evaluated: 2021-11-07. Review status: criteria provided, single submitter. Criteria: ACMG Guidelines, 2015. Collection method: clinical testing. Allele origin: germline. Affected: no.

Color Diagnostics, LLC DBA Color Health
Classification: Benign for Cardiomyopathy. Last evaluated: 2018-03-15. Review status: criteria provided, single submitter. Criteria: ACMG Guidelines, 2015. Collection method: clinical testing. Allele origin: germline.

Illumina Laboratory Services, Illumina
Classification: Benign for Catecholaminergic polymorphic ventricular tachycardia 1. Last evaluated: 2018-01-13. Review status: criteria provided, single submitter. Criteria: ICSL Variant Classification Criteria 13 December 2019. Collection method: clinical testing. Allele origin: germline.
Comment: This variant was observed in the ICSL laboratory as part of a predisposition screen in an ostensibly healthy population. It had not been previously curated by ICSL or reported in the Human Gene Mutation Database (HGMD: prior to June 1st, 2018), and was therefore a candidate for classification through an automated scoring system. Utilizing variant allele frequency, disease prevalence and penetrance estimates, and inheritance mode, an automated score was calculated to assess if this variant is too frequent to cause the disease. Based on the score and internal cut-off values, a variant classified as benign is not then subjected to further curation. The score for this variant resulted in a classification of benign for this disease.

Illumina Laboratory Services, Illumina
Classification: Benign for Catecholaminergic polymorphic ventricular tachycardia 1. Last evaluated: 2018-01-13. Review status: criteria provided, single submitter. Criteria: ICSL Variant Classification Criteria 13 December 2019. Collection method: clinical testing. Allele origin: germline.
Comment: the same text as in the submission from Illumina Laboratory Services, Illumina above.

GeneDx
Classification: Benign. Last evaluated: 2015-03-03. Review status: criteria provided, single submitter. Criteria: GeneDx Variant Classification Process June 2021. Collection method: clinical testing. Allele origin: germline. Affected: yes.

Eurofins Ntd Llc (ga)
Classification: Benign. Last evaluated: 2014-09-15. Review status: criteria provided, single submitter. Criteria: EGL Classification Definitions 2015. Collection method: clinical testing. Allele origin: germline. Observed: 1 variant allele, 1 heterozygote.

Laboratory for Molecular Medicine, Mass General Brigham Personalized Medicine
Classification: Benign. Last evaluated: 2012-04-10. Review status: criteria provided, single submitter. Criteria: LMM Criteria. Collection method: clinical testing. Allele origin: germline. Observed: 1,088 variant alleles.

Breakthrough Genomics
Classification: Benign. Review status: criteria provided, single submitter. Criteria: ACMG Guidelines, 2015. Collection method: not provided. Allele origin: germline. Inheritance: Autosomal dominant inheritance. Affected: yes.

PreventionGenetics, part of Exact Sciences
Classification: Benign. Review status: criteria provided, single submitter. Criteria: ACMG Guidelines, 2015. Collection method: clinical testing. Allele origin: germline.

Clinical Genetics, Academic Medical Center
Classification: Benign. Review status: no assertion criteria provided. Collection method: clinical testing. Allele origin: germline. Affected: yes. Study: VKGL Data-share Consensus. Not counted in ClinVar's aggregate classification.

Dr. Peter K. Rogan Lab, Western University
No classification provided (evidence only). Condition: Familial cancer of breast. Review status: no classification provided. Collection method: in vitro. Allele origin: not applicable. Functional consequence: retained intron. Not counted in ClinVar's aggregate classification.

Joint Genome Diagnostic Labs from Nijmegen and Maastricht, Radboudumc and MUMC+
Classification: Benign. Review status: no assertion criteria provided. Collection method: clinical testing. Allele origin: germline. Affected: yes. Study: VKGL Data-share Consensus. Not counted in ClinVar's aggregate classification.